The following is an entry in ClinVar:

ClinVar aggregate classification (germline): Uncertain significance. Review status: criteria provided, single submitter (1 of 4 stars). 2 submissions from 2 submitters: Uncertain significance (1). 1 of the submissions does not count toward it. Last evaluated 2025-12-18.

Conditions:
Alkaptonuria (AKU). Also called: Alcaptonuria; HOMOGENTISIC ACID OXIDASE DEFICIENCY; Homogentisic acidura; Alkaptonuric ochronosis. Identifiers: Orphanet 56, MedGen C0002066, MONDO:0008753, OMIM 203500.

Allele frequency attached by ClinVar (database versions not stated): gnomAD exomes 0.00001.
gnomAD v4.1: 8 of 1,613,662 alleles (0.0005%); highest among the groups gnomAD compares: Non-Finnish European, 0.00068%; no homozygotes.

Submissions (2):

Women's Health and Genetics/Laboratory Corporation of America, LabCorp
Classification: Uncertain significance. Last evaluated: 2025-12-18. Review status: criteria provided, single submitter. Criteria: LabCorp Variant Classification Summary - May 2015. Collection method: clinical testing. Allele origin: germline.
Comment: Variant summary: HGD c.52G>A (p.Asp18Asn) results in a conservative amino acid change in the encoded protein sequence. Algorithms developed to predict the effect of missense changes on protein structure and function are either unavailable or do not agree on the potential impact of this missense change. The variant was absent in 251072 control chromosomes. The available data on variant occurrences in the general population are insufficient to allow any conclusion about variant significance. c.52G>A has been observed in the presumed compound heterozygous state in at least 1 individual(s) affected with Alkaptonuria (example, Usher_2015, Ascher_2019). These data do not allow any conclusion about variant significance. To our knowledge, no experimental evidence demonstrating an impact on protein function has been reported. The following publications have been ascertained in the context of this evaluation (PMID: 25681086, 30737480). ClinVar contains an entry for this variant (Variation ID: 2626829). Based on the evidence outlined above, the variant was classified as uncertain significance.

Department Of Human Genetics, Institute Of Clinical And Translational Research, Biomedical Research Center, Slovak Academy Of Sciences
Classification: Pathogenic for Alkaptonuria. Review status: no assertion criteria provided. Collection method: research. Allele origin: germline. Inheritance: Autosomal recessive inheritance. Affected: yes. Observed: 2 variant alleles. Not counted in ClinVar's aggregate classification.
Comment: The variant was originally described in AKU patient in PMID:25681086. It has been submitted to the HGD gene mutation database (DB-ID: AKU_00168).

Literature cited by the submitters: PubMed 30737480 (cited by Women's Health and Genetics/Laboratory Corporation of America, LabCorp); PubMed 25681086 (cited by Women's Health and Genetics/Laboratory Corporation of America, LabCorp and Department Of Human Genetics, Institute Of Clinical And Translational Research, Biomedical Research Center, Slovak Academy Of Sciences).

NM_000187.4(HGD):c.52G>A (p.Asp18Asn)

Gene: HGD (homogentisate 1,2-dioxygenase; minus strand). Cytogenetic location: 3q13.33.
Variant type: single nucleotide variant.
Coding change: c.52G>A on transcript NM_000187.4 (MANE Select); coding-DNA position 52, G replaced by A.
Protein change: p.Asp18Asn; replaces aspartic acid 18 with asparagine.
Molecular consequence: missense variant.
Genome position (GRCh38, 1-based): chr3:120,675,827, C>T on the plus strand (G>A on the coding strand, the complement: HGD is on the minus strand). VCF-style: chr3-120675827-C-T. GRCh37 (hg19) VCF-style: chr3-120394674-C-T.
Other names: short protein forms D18N.
Identifiers: ClinVar variation 2626829 (VCV002626829.2), dbSNP rs2472804843, ClinGen allele CA354082867.